The following is an entry in ClinVar:

NM_001083961.2(WDR62):c.685_687del (p.Ser229del)

Gene: WDR62 (WD repeat domain 62; plus strand). Cytogenetic location: 19q13.12.
Variant type: Deletion.
Coding change: c.685_687del on transcript NM_001083961.2 (MANE Select); coding-DNA positions 685 to 687, 3 bases deleted (TCC; older notation c.685_687delTCC).
Protein change: p.Ser229del; deletes serine 229.
Molecular consequence: inframe deletion.
Genome position (GRCh38, 1-based): chr19:36,067,429-36,067,431, TCC deleted; deleting any 3 consecutive bases within chr19:36,067,428-36,067,431 gives the same sequence; the c. name uses the placement nearest the transcript's 3' end. VCF-style (leftmost placement, unchanged base first): chr19-36067427-TCTC-T. GRCh37 (hg19) VCF-style: chr19-36558329-TCTC-T.
Other names: c.685_687del, p.Ser229del (NM_173636.5); short protein forms S229del.
Identifiers: ClinVar variation 1311820 (VCV001311820.2), dbSNP rs2145586990, ClinGen allele CA2573054750.

ClinVar aggregate classification (germline): Uncertain significance (1 of 4 stars; one submission).

Submission:

GeneDx
Classification: Uncertain significance. Last evaluated: 2020-01-06. Review status: criteria provided, single submitter. Criteria: GeneDx Variant Classification Process June 2021. Collection method: clinical testing. Allele origin: germline. Affected: yes.
Comment: Not observed in large population cohorts (Lek et al., 2016); In-frame deletion of 1 amino acid in a non-repeat region; In silico analysis, which includes protein predictors and evolutionary conservation, supports a deleterious effect; Has not been previously published as pathogenic or benign to our knowledge